The following is an entry in ClinVar:

ClinVar aggregate classification (germline): Conflicting classifications of pathogenicity. Review status: criteria provided, conflicting classifications (1 of 4 stars). 2 submissions from 2 submitters: Likely pathogenic (1); Uncertain significance (1). Last evaluated 2026-05-03.

Conditions:
Autosomal dominant non-syndromic intellectual disability. Identifiers: Orphanet 178469, MedGen C5680502, MONDO:0015802.
BRSK2-related disorder. Also called: BRSK2-related condition; BRSK2-Related Disorders.

Allele frequency attached by ClinVar (database versions not stated): gnomAD 0.00001.
gnomAD v4.1: 1 of 1,612,926 alleles (0.000062%); highest among the groups gnomAD compares: African/African-American, 0.0013%; no homozygotes.

Submissions (2):

Department of Human Genetics, University Hospital Bern, Inselspital
Classification: Uncertain significance for Autosomal dominant non-syndromic intellectual disability. Last evaluated: 2026-05-03. Review status: criteria provided, single submitter. Criteria: ACMG Guidelines, 2015. Collection method: research. Allele origin: de novo. Affected: yes.
Comment: The missense variant affects a highly conserved amino acid in the important kinase domain and is predicted to have a damaging effect by AlphaMissense and PrimateAI-3D. Functional assays in Drosophila indicated a loss-of-function effect. The variant has been shown to have occurred de novo and is absent from gnomAD v4.1.0. In summary, criteria PS3_Moderate, PS2_Supporting, PM2_Supporting, and PP3_Supporting were used.

PreventionGenetics, part of Exact Sciences
Classification: Likely pathogenic for BRSK2-related condition. Last evaluated: 2023-03-25. Review status: criteria provided, single submitter. Criteria: ACMG Guidelines, 2015. Collection method: clinical testing. Allele origin: germline.
Comment: The BRSK2 c.472G>A variant is predicted to result in the amino acid substitution p.Ala158Thr. To our knowledge, this variant has not been reported in the literature or in a large population database, indicating this variant is rare. This variant is interpreted as likely pathogenic.

Literature cited by the submitters: PubMed 42509346 (cited by Department of Human Genetics, University Hospital Bern, Inselspital).

NM_001256627.2(BRSK2):c.472G>A (p.Ala158Thr)

Gene: BRSK2 (BR serine/threonine kinase 2; plus strand). Cytogenetic location: 11p15.5.
Variant type: single nucleotide variant.
Coding change: c.472G>A on transcript NM_001256627.2 (MANE Select); coding-DNA position 472, G replaced by A.
Protein change: p.Ala158Thr; replaces alanine 158 with threonine.
Molecular consequence: missense variant. On other transcripts: non-coding transcript variant (1).
Genome position (GRCh38, 1-based): chr11:1,442,548, G>A. VCF-style: chr11-1442548-G-A. GRCh37 (hg19) VCF-style: chr11-1463778-G-A.
Other names: c.472G>A, p.Ala158Thr (NM_001256629.2, NM_003957.4); c.610G>A, p.Ala204Thr (NM_001256630.1); c.292G>A, p.Ala98Thr (NM_001282218.2); short protein forms A158T, A204T, A98T.
Identifiers: ClinVar variation 2633427 (VCV002633427.2), dbSNP rs1851486514, ClinGen allele CA379058410.